The following is an entry in ClinVar:

NM_003114.5(SPAG1):c.957T>A (p.Val319=)

Gene: SPAG1 (sperm associated antigen 1; plus strand). Cytogenetic location: 8q22.2.
Variant type: single nucleotide variant.
Coding change: c.957T>A on transcript NM_003114.5 (MANE Select); coding-DNA position 957, T replaced by A.
Protein change: p.Val319=; no amino-acid change (valine 319 retained).
Molecular consequence: synonymous variant.
Genome position (GRCh38, 1-based): chr8:100,194,129, T>A. VCF-style: chr8-100194129-T-A. GRCh37 (hg19) VCF-style: chr8-101206357-T-A.
Other names: c.957T>A, p.Val319= (NM_001374321.1, NM_172218.3).
Identifiers: ClinVar variation 242017 (VCV000242017.16), dbSNP rs146528350, ClinGen allele CA4827414.

ClinVar aggregate classification (germline): Benign/Likely benign. Review status: criteria provided, multiple submitters, no conflicts (2 of 4 stars). 5 submissions from 5 submitters: Benign (2); Likely benign (3). Last evaluated 2026-07-01.

Conditions:
Primary ciliary dyskinesia 28. Also called: CILIARY DYSKINESIA, PRIMARY, 28, WITH OR WITHOUT SITUS INVERSUS. Identifiers: Orphanet 244, MedGen C3809706, MONDO:0014216, OMIM 615505.
Primary ciliary dyskinesia. Also called: Ciliary dyskinesia. Identifiers: Orphanet 244, MedGen C0008780, MONDO:0016575, HP:0012265.

Allele frequency attached by ClinVar (database versions not stated): gnomAD 0.00029 and 0.00041; 1000 Genomes Project 0.00040; TOPMed 0.00043; 1000 Genomes Project 30x 0.00062; gnomAD exomes 0.00068 and 0.00089; ESP Exome Variant Server 0.00092; ExAC 0.00126.
gnomAD v4.1: 1,050 of 1,574,718 alleles (0.067%); highest among the groups gnomAD compares: Middle Eastern, 0.68%; 9 homozygotes.

Submissions (5):

CeGaT Center for Human Genetics Tuebingen
Classification: Likely benign. Last evaluated: 2026-07-01. Review status: criteria provided, single submitter. Criteria: CeGaT Center For Human Genetics Tuebingen Variant Classification Criteria Version 2. Collection method: clinical testing. Allele origin: germline. Affected: yes. Observed: 1 variant allele.
Comment: SPAG1: BP4, BP7

Labcorp Genetics (formerly Invitae), Labcorp
Classification: Benign for Primary ciliary dyskinesia 28. Last evaluated: 2026-01-20. Review status: criteria provided, single submitter. Criteria: Invitae Variant Classification Sherloc (09022015). Collection method: clinical testing. Allele origin: germline.

Blueprint Genetics
Classification: Likely benign. Last evaluated: 2024-11-04. Review status: criteria provided, single submitter. Criteria: ACMG Guidelines, 2015. Collection method: clinical testing. Allele origin: germline.

Ambry Genetics
Classification: Likely benign for Primary ciliary dyskinesia. Last evaluated: 2016-10-28. Review status: criteria provided, single submitter. Criteria: Ambry Variant Classification Scheme 2023. Collection method: clinical testing. Allele origin: germline.

Breakthrough Genomics
Classification: Benign. Review status: criteria provided, single submitter. Criteria: ACMG Guidelines, 2015. Collection method: not provided. Allele origin: germline. Inheritance: Autosomal recessive inheritance. Affected: yes.